The following is an entry in ClinVar:

ClinVar aggregate classification (germline): Benign. Review status: criteria provided, single submitter (1 of 4 stars). 2 submissions from 1 submitter: Benign (1). 1 of the submissions does not count toward it. Last evaluated 2018-03-06.

Conditions:
Cardiomyopathy (CMYO). Also called: Cardiomyopathies. Identifiers: Orphanet 167848, MedGen C0878544, MONDO:0004994, HP:0001638. Inheritance: Various modes of inheritance.

Submissions (2):

GeneDx
Classification: Benign. Last evaluated: 2018-03-06. Review status: criteria provided, single submitter. Criteria: GeneDx Variant Classification (06012015). Collection method: clinical testing. Allele origin: germline. Affected: yes.
Comment: This variant is considered likely benign or benign based on one or more of the following criteria: it is a conservative change, it occurs at a poorly conserved position in the protein, it is predicted to be benign by multiple in silico algorithms, and/or has population frequency not consistent with disease.

GeneDx
Classification: Benign for Cardiomyopathy. Last evaluated: 2014-01-08. Review status: flagged submission. Criteria: GeneDx Variant Classification (06012015). Collection method: clinical testing. Allele origin: germline. Affected: yes. Not counted in ClinVar's aggregate classification.
Comment: The variant is found in CARDIOMYOPATHY panel(s).
ClinVar note: Reason: This record appears to be redundant with a more recent record from the same submitter.
ClinVar note: Notes: SCV000235915 appears to be redundant with SCV000713973.

NM_004517.4(ILK):c.448+12del

Genes: TAF10 (TATA-box binding protein associated factor 10; minus strand), ILK (integrin linked kinase; plus strand). Cytogenetic location: 11p15.4.
Variant type: Deletion.
Coding change: c.448+12del on transcript NM_004517.4 (MANE Select); 12 bases into the intron after coding-DNA position 448, one base deleted (C; older notation c.448+12delC).
Molecular consequence: intron variant. On other transcripts: 3 prime UTR variant (1).
Genome position (GRCh38, 1-based): chr11:6,608,802, C deleted; the last of 4 consecutive C bases (chr11:6,608,799-6,608,802); deleting any one gives the same sequence. VCF-style (leftmost placement, unchanged base first): chr11-6608798-TC-T. GRCh37 (hg19) VCF-style: chr11-6630028-TC-T.
Other names: c.448+13delC (NM_004517.2); c.*2123del (NM_006284.4); c.448+12del (NM_001014795.3, NM_001014794.3); c.352-82del (NM_001278441.2); c.46+12del (NM_001278442.2).
Identifiers: ClinVar variation 201786 (VCV000201786.2), dbSNP rs11314683, ClinGen allele CA335185.